The following is an entry in ClinVar:

ClinVar aggregate classification (germline): Uncertain significance. Review status: criteria provided, multiple submitters, no conflicts (2 of 4 stars). 2 submissions from 2 submitters: Uncertain significance (2). Last evaluated 2024-02-03.

Conditions:
Pseudoxanthoma elasticum, forme fruste. Also called: Pseudoxanthoma Elasticum, Incomplete; PSEUDOXANTHOMA ELASTICUM, HETEROZYGOUS. Identifiers: Orphanet 758, MedGen C1867450, MONDO:0008333, OMIM 177850.
Arterial calcification, generalized, of infancy, 2. Identifiers: Orphanet 51608, MedGen C3276161, MONDO:0013768, OMIM 614473.
Autosomal recessive inherited pseudoxanthoma elasticum (PXE). Identifiers: Orphanet 758, MedGen CN032334, MONDO:0009925, OMIM 264800.

gnomAD v4.1: 1 of 1,613,628 alleles (0.000062%); highest among the groups gnomAD compares: African/African-American, 0.0013%; no homozygotes.

Submissions (2):

Fulgent Genetics
Classification: Uncertain significance for Pseudoxanthoma elasticum, forme fruste; Autosomal recessive inherited pseudoxanthoma elasticum; Arterial calcification, generalized, of infancy, 2. Last evaluated: 2024-02-03. Review status: criteria provided, single submitter. Criteria: ACMG Guidelines, 2015. Collection method: clinical testing. Allele origin: germline.

Labcorp Genetics (formerly Invitae), Labcorp
Classification: Uncertain significance. Last evaluated: 2022-05-21. Review status: criteria provided, single submitter. Criteria: Invitae Variant Classification Sherloc (09022015). Collection method: clinical testing. Allele origin: germline.
Comment: This variant has not been reported in the literature in individuals affected with ABCC6-related conditions. In summary, the available evidence is currently insufficient to determine the role of this variant in disease. Therefore, it has been classified as a Variant of Uncertain Significance. Advanced modeling of protein sequence and biophysical properties (such as structural, functional, and spatial information, amino acid conservation, physicochemical variation, residue mobility, and thermodynamic stability) performed at Invitae indicates that this missense variant is not expected to disrupt ABCC6 protein function. This variant is not present in population databases (gnomAD no frequency). This sequence change replaces alanine, which is neutral and non-polar, with serine, which is neutral and polar, at codon 547 of the ABCC6 protein (p.Ala547Ser).

NM_001171.6(ABCC6):c.1639G>T (p.Ala547Ser)

Gene: ABCC6 (ATP binding cassette subfamily C member 6; minus strand). Cytogenetic location: 16p13.11.
Variant type: single nucleotide variant.
Coding change: c.1639G>T on transcript NM_001171.6 (MANE Select); coding-DNA position 1639, G replaced by T.
Protein change: p.Ala547Ser; replaces alanine 547 with serine.
Molecular consequence: missense variant. On other transcripts: non-coding transcript variant (1).
Genome position (GRCh38, 1-based): chr16:16,188,971, C>A on the plus strand (G>T on the coding strand, the complement: ABCC6 is on the minus strand). VCF-style: chr16-16188971-C-A. GRCh37 (hg19) VCF-style: chr16-16282828-C-A.
Other names: c.1297G>T, p.Ala433Ser (NM_001351800.1); short protein forms A433S, A547S.
Identifiers: ClinVar variation 1993831 (VCV001993831.4), dbSNP rs56877937, ClinGen allele CA394889508.